The following is an entry in ClinVar:

Conditions:
Breast-ovarian cancer, familial, susceptibility to, 1 (BROVCA1). Also called: BRCA1 Hereditary Breast and Ovarian Cancer; OVARIAN CANCER, SUSCEPTIBILITY TO. Identifiers: Orphanet 145, MedGen C2676676, MONDO:0011450, OMIM 604370. Disease mechanism: loss of function.

Submission:

Brotman Baty Institute, University of Washington
No classification provided (evidence only). Condition: Breast-ovarian cancer, familial 1. Review status: no classification provided. Collection method: in vitro. Allele origin: not applicable. Functional consequence: functionally_normal.
ClinVar note: "not provided" was previously submitted as the classification for the variant. However, the classification appeared to be based only on an observation of functional data so it was converted to no classification on 2025-07-30.

NM_007294.4(BRCA1):c.5499G>T (p.Val1833=)

Gene: BRCA1 (BRCA1 DNA repair associated; minus strand). Cytogenetic location: 17q21.31.
Variant type: single nucleotide variant.
Coding change: c.5499G>T on transcript NM_007294.4 (MANE Select); coding-DNA position 5499, G replaced by T.
Protein change: p.Val1833=; no amino-acid change (valine 1833 retained).
Molecular consequence: synonymous variant. On other transcripts: 3 prime UTR variant (17).
Genome position (GRCh38, 1-based): chr17:43,045,771, C>A on the plus strand (G>T on the coding strand, the complement: BRCA1 is on the minus strand). VCF-style: chr17-43045771-C-A. GRCh37 (hg19) VCF-style: chr17-41197788-C-A.
Other names: c.5286G>T, p.Val1762= (NM_001407571.1, NM_001407894.1, NM_001407895.1 and 12 more transcripts); c.5565G>T, p.Val1855= (NM_001407581.1, NM_001407582.1); c.5562G>T, p.Val1854= (NM_001407583.1, NM_001407585.1, NM_001407587.1 and 1 more transcripts); c.5559G>T, p.Val1853= (NM_001407590.1, NM_001407591.1); c.5499G>T, p.Val1833= (NM_001407593.1, NM_001407594.1, NM_001407596.1 and 5 more transcripts); c.5496G>T, p.Val1832= (NM_001407610.1, NM_001407611.1, NM_001407612.1 and 14 more transcripts); c.5421G>T, p.Val1807= (NM_001407652.1, NM_001407653.1, NM_001407654.1 and 1 more transcripts); c.5418G>T, p.Val1806= (NM_001407656.1, NM_001407657.1, NM_001407658.1); and 74 more.
Identifiers: ClinVar variation 868987 (VCV000868987.3), dbSNP rs2050880700, ClinGen allele CA500142922.